The following is an entry in ClinVar:

NM_032608.7(MYO18B):c.2596C>A (p.Leu866Met)

Gene: MYO18B (myosin XVIIIB; plus strand). Cytogenetic location: 22q12.1.
Variant type: single nucleotide variant.
Coding change: c.2596C>A on transcript NM_032608.7 (MANE Select); coding-DNA position 2596, C replaced by A.
Protein change: p.Leu866Met; replaces leucine 866 with methionine.
Molecular consequence: missense variant.
Genome position (GRCh38, 1-based): chr22:25,823,579, C>A. VCF-style: chr22-25823579-C-A. GRCh37 (hg19) VCF-style: chr22-26219546-C-A.
Other names: c.2596C>A (NM_032608.6); c.2596C>A, p.Leu866Met (NM_001318245.2); short protein forms L866M.
Identifiers: ClinVar variation 1410667 (VCV001410667.4), dbSNP rs199965997, ClinGen allele CA10160232.
Genomic context (GRCh38, chr22:25,823,579, plus strand): 5'-TTCATGAGGTTTGAGTGGGCAAACTACGCAGCTGAGGCCCTGGGCTGCGAGTATGAGGAG[C>A]TGAACACGGCCACCTTCAAGCACCACCTTCGACAGATCATCCAGCAAATGACGTTTGGGC-3'
Protein context (NP_115997.5, residues 856-876): AEALGCEYEE[Leu866Met]NTATFKHHLR

ClinVar aggregate classification (germline): Uncertain significance. Review status: criteria provided, multiple submitters, no conflicts (2 of 4 stars). 2 submissions from 2 submitters: Uncertain significance (2). Last evaluated 2026-02-19.

Conditions:
MYO18B-related disorder. Also called: MYO18B-related condition.

Allele frequency attached by ClinVar (database versions not stated): TOPMed 0.00006; ExAC 0.00008; gnomAD exomes 0.00008.
gnomAD v4.1: 147 of 1,613,884 alleles (0.0091%); highest among the groups gnomAD compares: Non-Finnish European, 0.012%; no homozygotes.

Submissions (2):

PreventionGenetics, part of Exact Sciences
Classification: Uncertain significance for MYO18B-related condition. Last evaluated: 2026-02-19. Review status: criteria provided, single submitter. Criteria: ACMG Guidelines, 2015. Collection method: clinical testing. Allele origin: germline.
Comment: The MYO18B c.2596C>A variant is predicted to result in the amino acid substitution p.Leu866Met. To our knowledge, this variant has not been reported in the literature. This variant is reported in 0.014% of alleles in individuals of European (Non-Finnish) descent in gnomAD. At this time, the clinical significance of this variant is uncertain due to the absence of conclusive functional and genetic evidence.

Labcorp Genetics (formerly Invitae), Labcorp
Classification: Uncertain significance. Last evaluated: 2022-07-12. Review status: criteria provided, single submitter. Criteria: Invitae Variant Classification Sherloc (09022015). Collection method: clinical testing. Allele origin: germline.
Comment: This sequence change replaces leucine with methionine at codon 866 of the MYO18B protein (p.Leu866Met). The leucine residue is moderately conserved and there is a small physicochemical difference between leucine and methionine. This variant is present in population databases (rs199965997, gnomAD 0.01%). This variant has not been reported in the literature in individuals affected with MYO18B-related conditions. ClinVar contains an entry for this variant (Variation ID: 1410667). Algorithms developed to predict the effect of missense changes on protein structure and function are either unavailable or do not agree on the potential impact of this missense change (SIFT: "Not Available"; PolyPhen-2: "Probably Damaging"; Align-GVGD: "Not Available"). In summary, the available evidence is currently insufficient to determine the role of this variant in disease. Therefore, it has been classified as a Variant of Uncertain Significance.